The following is an entry in ClinVar:

NM_001360016.2(G6PD):c.1288-3C>T

Gene: G6PD (glucose-6-phosphate dehydrogenase; minus strand). Cytogenetic location: Xq28.
Variant type: single nucleotide variant.
Coding change: c.1288-3C>T on transcript NM_001360016.2 (MANE Select); 3 bases into the intron before coding-DNA position 1288, C replaced by T.
Molecular consequence: intron variant.
Genome position (GRCh38, 1-based): chrX:154,532,465, G>A on the plus strand (C>T on the coding strand, the complement: G6PD is on the minus strand). VCF-style: chrX-154532465-G-A. GRCh37 (hg19) VCF-style: chrX-153760680-G-A.
Other names: c.1378-3C>T (NM_000402.4); c.1288-3C>T (NM_001042351.3).
Identifiers: ClinVar variation 4810317 (VCV004810317.1).

ClinVar aggregate classification (germline): Uncertain significance (1 of 4 stars; one submission).

Conditions:
Anemia, nonspherocytic hemolytic, due to G6PD deficiency (CNSHA1). Also called: Class I glucose-6-phosphate dehydrogenase deficiency; Favism, susceptibility to; Hemolytic anemia due to G6PD deficiency; ANEMIA, CONGENITAL, NONSPHEROCYTIC HEMOLYTIC, 1. Identifiers: Orphanet 466026, MedGen C2720289, MONDO:0010480, OMIM 300908.

Submission:

Labcorp Genetics (formerly Invitae), Labcorp
Classification: Uncertain significance for Anemia, nonspherocytic hemolytic, due to G6PD deficiency. Last evaluated: 2025-08-01. Review status: criteria provided, single submitter. Criteria: Invitae Variant Classification Sherloc (09022015). Collection method: clinical testing. Allele origin: germline.
Comment: This sequence change falls in intron 10 of the G6PD gene. It does not directly change the encoded amino acid sequence of the G6PD protein. It affects a nucleotide within the consensus splice site. This variant is not present in population databases (gnomAD no frequency). This variant has not been reported in the literature in individuals affected with G6PD-related conditions. Variants that disrupt the consensus splice site are a relatively common cause of aberrant splicing (PMID: 17576681, 9536098). Algorithms developed to predict the effect of sequence changes on RNA splicing suggest that this variant is not likely to affect RNA splicing. In summary, the available evidence is currently insufficient to determine the role of this variant in disease. Therefore, it has been classified as a Variant of Uncertain Significance.

Literature cited by the submitters: PubMed 17576681; PubMed 9536098.